The following is an entry in ClinVar:

ClinVar aggregate classification (germline): Uncertain significance (1 of 4 stars; one submission).

Conditions:
Microcephaly, normal intelligence and immunodeficiency (NBS). Also called: SEEMANOVA SYNDROME II; Ataxia telangiectasia variant V1; BERLIN BREAKAGE SYNDROME; Immunodeficiency, microcephaly with normal intelligence; Nijmegen breakage syndrome; Microcephaly with normal intelligence immunodeficiency and lymphoreticular malignancies. Identifiers: Orphanet 647, MedGen C0398791, MONDO:0009623, OMIM 251260.

Submission:

Labcorp Genetics (formerly Invitae), Labcorp
Classification: Uncertain significance for Microcephaly, normal intelligence and immunodeficiency. Last evaluated: 2021-03-25. Review status: criteria provided, single submitter. Criteria: Invitae Variant Classification Sherloc (09022015). Collection method: clinical testing. Allele origin: germline.
Comment: In summary, the available evidence is currently insufficient to determine the role of this variant in disease. Therefore, it has been classified as a Variant of Uncertain Significance. Algorithms developed to predict the effect of missense changes on protein structure and function output the following: SIFT: "Tolerated"; PolyPhen-2: "Benign"; Align-GVGD: "Class C0". The aspartic acid amino acid residue is found in multiple mammalian species, suggesting that this missense change does not adversely affect protein function. These predictions have not been confirmed by published functional studies and their clinical significance is uncertain. This variant has not been reported in the literature in individuals with NBN-related conditions. This variant is not present in population databases (ExAC no frequency). This sequence change replaces glutamic acid with aspartic acid at codon 573 of the NBN protein (p.Glu573Asp). The glutamic acid residue is moderately conserved and there is a small physicochemical difference between glutamic acid and aspartic acid.

NM_002485.5(NBN):c.1719G>T (p.Glu573Asp)

Gene: NBN (nibrin; minus strand). Cytogenetic location: 8q21.3.
Variant type: single nucleotide variant.
Coding change: c.1719G>T on transcript NM_002485.5 (MANE Select); coding-DNA position 1719, G replaced by T.
Protein change: p.Glu573Asp; replaces glutamic acid 573 with aspartic acid.
Molecular consequence: missense variant.
Genome position (GRCh38, 1-based): chr8:89,953,370, C>A on the plus strand (G>T on the coding strand, the complement: NBN is on the minus strand). VCF-style: chr8-89953370-C-A. GRCh37 (hg19) VCF-style: chr8-90965598-C-A.
Other names: c.1473G>T, p.Glu491Asp (NM_001024688.3); short protein forms E573D, E491D.
Identifiers: ClinVar variation 1519342 (VCV001519342.8), dbSNP rs1586053258, ClinGen allele CA371655245.